The following is an entry in ClinVar:

ClinVar aggregate classification (germline): Benign. Review status: criteria provided, multiple submitters, no conflicts (2 of 4 stars). 11 submissions from 11 submitters: Benign (11). Last evaluated 2026-02-04.

Conditions:
X-linked Alport syndrome (ATS1). Also called: NEPHROPATHY AND DEAFNESS, X-LINKED; COL4A5-Related Nephropathy. Identifiers: Orphanet 63, Orphanet 88917, MedGen C4746986, MONDO:0010520, OMIM 301050.

Allele frequency attached by ClinVar (database versions not stated): gnomAD 0.09324 and 0.10180; TOPMed 0.10907; ESP Exome Variant Server 0.07119; gnomAD exomes 0.12636 and 0.16141; ExAC 0.15557; 1000 Genomes Project 30x 0.17836; 1000 Genomes Project 0.18225.
gnomAD v4.1: 149,596 of 1,207,751 alleles (12%); highest among the groups gnomAD compares: East Asian, 36%; 8,060 homozygotes.

Submissions (11):

Labcorp Genetics (formerly Invitae), Labcorp
Classification: Benign. Last evaluated: 2026-02-04. Review status: criteria provided, single submitter. Criteria: Invitae Variant Classification Sherloc (09022015). Collection method: clinical testing. Allele origin: germline.

Women's Health and Genetics/Laboratory Corporation of America, LabCorp
Classification: Benign. Last evaluated: 2025-10-18. Review status: criteria provided, single submitter. Criteria: LabCorp Variant Classification Summary - May 2015. Collection method: clinical testing. Allele origin: germline.

Blueprint Genetics
Classification: Benign. Last evaluated: 2024-11-28. Review status: criteria provided, single submitter. Criteria: ACMG Guidelines, 2015. Collection method: clinical testing. Allele origin: germline.

Unidad de Genómica Garrahan, Hospital de Pediatría Garrahan
Classification: Benign. Last evaluated: 2024-07-15. Review status: criteria provided, single submitter. Criteria: ACMG Guidelines, 2015. Collection method: clinical testing. Allele origin: germline. Affected: no. Observed: 34 variant alleles.
Comment: This variant is classified as Benign based on local population frequency. This variant was detected in 37% of patients studied in a panel designed for Epileptic and Developmental Encephalopathy and Progressive Myoclonus Epilepsy. Number of patients: 34. Only high quality variants are reported.

Genome-Nilou Lab
Classification: Benign for X-linked Alport syndrome. Last evaluated: 2021-07-10. Review status: criteria provided, single submitter. Criteria: ACMG Guidelines, 2015. Collection method: clinical testing. Allele origin: germline. Affected: no.

ARUP Laboratories, Molecular Genetics and Genomics, ARUP Laboratories
Classification: Benign for X-linked Alport syndrome. Last evaluated: 2021-01-04. Review status: criteria provided, single submitter. Criteria: ARUP Molecular Germline Variant Investigation Process 2021. Collection method: clinical testing. Allele origin: germline.

Laboratory for Molecular Medicine, Mass General Brigham Personalized Medicine
Classification: Benign. Last evaluated: 2017-09-25. Review status: criteria provided, single submitter. Criteria: LMM Criteria. Collection method: clinical testing. Allele origin: germline. Observed: 12 variant alleles.
Comment: c.2768-11A>G in intron 32A of COL4A5: This variant is not expected to have clini cal significance because it has been identified in 32.6% (8823/27099) of Latino chromosomes by the Genome Aggregation Database (gnomAD; dbSNP rs1006269).

Eurofins Ntd Llc (ga)
Classification: Benign. Last evaluated: 2017-01-17. Review status: criteria provided, single submitter. Criteria: EGL Classification Definitions 2015. Collection method: clinical testing. Allele origin: germline. Observed: 1 variant allele, 1 hemizygote.

GeneDx
Classification: Benign. Last evaluated: 2015-03-03. Review status: criteria provided, single submitter. Criteria: GeneDx Variant Classification Process June 2021. Collection method: clinical testing. Allele origin: germline. Affected: yes.

Breakthrough Genomics
Classification: Benign. Review status: criteria provided, single submitter. Criteria: ACMG Guidelines, 2015. Collection method: not provided. Allele origin: germline. Inheritance: X-linked inheritance. Affected: yes.

PreventionGenetics, part of Exact Sciences
Classification: Benign. Review status: criteria provided, single submitter. Criteria: ACMG Guidelines, 2015. Collection method: clinical testing. Allele origin: germline.

NM_033380.3(COL4A5):c.2768-11A>G

Gene: COL4A5 (collagen type IV alpha 5 chain; plus strand). Cytogenetic location: Xq22.3.
Variant type: single nucleotide variant.
Coding change: c.2768-11A>G on transcript NM_033380.3 (MANE Select); 11 bases into the intron before coding-DNA position 2768, A replaced by G.
Molecular consequence: intron variant.
Genome position (GRCh38, 1-based): chrX:108,622,665, A>G. VCF-style: chrX-108622665-A-G. GRCh37 (hg19) VCF-style: chrX-107865895-A-G.
Other names: c.2768-11A>G (NM_000495.5).
Identifiers: ClinVar variation 24563 (VCV000024563.34), dbSNP rs1006269, ClinGen allele CA258757.